The following is an entry in ClinVar:

NM_139057.4(ADAMTS17):c.698C>T (p.Thr233Met)

Gene: ADAMTS17 (ADAM metallopeptidase with thrombospondin type 1 motif 17; minus strand). Cytogenetic location: 15q26.3.
Variant type: single nucleotide variant.
Coding change: c.698C>T on transcript NM_139057.4 (MANE Select); coding-DNA position 698, C replaced by T.
Protein change: p.Thr233Met; replaces threonine 233 with methionine.
Molecular consequence: missense variant.
Genome position (GRCh38, 1-based): chr15:100,281,320, G>A on the plus strand (C>T on the coding strand, the complement: ADAMTS17 is on the minus strand). VCF-style: chr15-100281320-G-A. GRCh37 (hg19) VCF-style: chr15-100821525-G-A.
Other names: short protein forms T233M.
Identifiers: ClinVar variation 2048215 (VCV002048215.2), dbSNP rs545485140, ClinGen allele CA7758607.
Genomic context (GRCh38, chr15:100,281,320, plus strand): 5'-GCGGCCTCGGCCCCGTGGTACTGCACCATGTCGGCGTCGGCCACCACCAGGGTCTCCACC[G>A]TGTGCTCGCTGGTGAGCCGGATAGCGTTCCTCCGCTCCCGCCAGTCCCGCGAAGGCCTGC-3'
Protein context (NP_620688.2, residues 223-243): RNAIRLTSEH[Thr233Met]VETLVVADAD

ClinVar aggregate classification (germline): Uncertain significance (1 of 4 stars; one submission).

Allele frequency attached by ClinVar (database versions not stated): ExAC 0.00001; gnomAD 0.00001; TOPMed 0.00002.
gnomAD v4.1: 22 of 1,610,102 alleles (0.0014%); highest among the groups gnomAD compares: Admixed American, 0.005%; no homozygotes.

Submission:

Labcorp Genetics (formerly Invitae), Labcorp
Classification: Uncertain significance. Last evaluated: 2022-07-09. Review status: criteria provided, single submitter. Criteria: Invitae Variant Classification Sherloc (09022015). Collection method: clinical testing. Allele origin: germline.
Comment: In summary, the available evidence is currently insufficient to determine the role of this variant in disease. Therefore, it has been classified as a Variant of Uncertain Significance. Algorithms developed to predict the effect of missense changes on protein structure and function are either unavailable or do not agree on the potential impact of this missense change (SIFT: "Not Available"; PolyPhen-2: "Probably Damaging"; Align-GVGD: "Not Available"). This variant has not been reported in the literature in individuals affected with ADAMTS17-related conditions. The frequency data for this variant in the population databases is considered unreliable, as metrics indicate poor data quality at this position in the gnomAD database. This sequence change replaces threonine, which is neutral and polar, with methionine, which is neutral and non-polar, at codon 233 of the ADAMTS17 protein (p.Thr233Met).